The following is an entry in ClinVar:

ClinVar aggregate classification (germline): Pathogenic/Likely pathogenic. Review status: criteria provided, multiple submitters, no conflicts (2 of 4 stars). 8 submissions from 8 submitters: Pathogenic (4); Likely pathogenic (4). Last evaluated 2025-02-21.

Conditions:
SELENON-related disorder. Also called: SELENON-related condition.
Eichsfeld type congenital muscular dystrophy (CMYO3). Also called: MYOPATHY, SEPN1-RELATED; SELENON-related myopathy; Congenital myopathy 3 with rigid spine; Rigid spine muscular dystrophy 1. Identifiers: MedGen C0410180, MONDO:0100100, OMIM 602771.

Allele frequency attached by ClinVar (database versions not stated): TOPMed 0.00002.
gnomAD v4.1: 20 of 1,613,994 alleles (0.0012%); highest among the groups gnomAD compares: East Asian, 0.016%; no homozygotes.

Submissions (8):

Division of Genetic & Genomic Pathology, Hong Kong Children's Hospital
Classification: Likely pathogenic for Eichsfeld type congenital muscular dystrophy. Last evaluated: 2025-02-21. Review status: criteria provided, single submitter. Criteria: ACMG Guidelines, 2015. Collection method: clinical testing. Allele origin: germline. Affected: yes.
Comment: The missense variant SELENON c.1406G>A p.(Arg469Gln) is located in exon 11 (out of 13 exons of the SELENON gene, which encodes the endoplasmic reticulum glycoprotein selenoprotein N. This variant has been reported in numerous cases of SELENON-related myopathies / muscular dystrophy, with at least two homozygotes and two in trans with another (likely) pathogenic variant (PMID: 19067361, 30932294, 32154989, 34867752). All ClinVar submissions classified this variant as (likely) pathogenic (VCV000461629.16). An alternative missense variant (p.Arg469Trp) has also been deposited as (likely) pathogenic in ClinVar (VCV000571063.14). This variant is present at a very low frequency in control populations (gnomAD v4.1.0: 20 heterozygotes in 1,613,994 alleles; highest frequency in East Asians: 7 heterozygotes in 44,872 alleles), with no homozygotes. In-silico prediction by REVEL suggests that it may be deleterious (REVEL score 0.867). For these reasons, this variant is classified as likely pathogenic.

Labcorp Genetics (formerly Invitae), Labcorp
Classification: Pathogenic for Eichsfeld type congenital muscular dystrophy. Last evaluated: 2024-12-27. Review status: criteria provided, single submitter. Criteria: Invitae Variant Classification Sherloc (09022015). Collection method: clinical testing. Allele origin: germline.
Comment: This sequence change replaces arginine, which is basic and polar, with glutamine, which is neutral and polar, at codon 469 of the SELENON protein (p.Arg469Gln). This variant is present in population databases (no rsID available, gnomAD 0.02%). This missense change has been observed in individual(s) with SELENON-related myopathy (PMID: 19067361, 30932294, 32154989; internal data). In at least one individual the data is consistent with being in trans (on the opposite chromosome) from a pathogenic variant. It has also been observed to segregate with disease in related individuals. This variant is also known as p.Arg435Gln. ClinVar contains an entry for this variant (Variation ID: 461629). Invitae Evidence Modeling of protein sequence and biophysical properties (such as structural, functional, and spatial information, amino acid conservation, physicochemical variation, residue mobility, and thermodynamic stability) indicates that this missense variant is expected to disrupt SELENON protein function with a positive predictive value of 95%. For these reasons, this variant has been classified as Pathogenic.

3billion
Classification: Pathogenic for Eichsfeld type congenital muscular dystrophy. Last evaluated: 2024-08-07. Review status: criteria provided, single submitter. Criteria: ACMG Guidelines, 2015. Collection method: clinical testing. Allele origin: germline. Affected: yes.
Comment: The variant is observed at an extremely low frequency in the gnomAD v4.0.0 dataset (total allele frequency: 0.001%). Predicted Consequence/Location: Missense variant In silico tool predictions suggest damaging effect of the variant on gene or gene product [REVEL: 0.87 (>=0.6, sensitivity 0.68 and specificity 0.92); 3Cnet: 0.88 (>=0.6, sensitivity 0.72 and precision 0.9)]. The same nucleotide change resulting in the same amino acid change has been previously reported as pathogenic/likely pathogenic with strong evidence (ClinVar ID: VCV000461629 /PMID: 19067361). A different missense change at the same codon (p.Arg469Trp) has been reported as pathogenic/likely pathogenic with strong evidence (ClinVar ID: VCV000571063 /PMID: 19067361). Therefore, this variant is classified as Pathogenic according to the recommendation of ACMG/AMP guideline.

Genomic Medicine Center of Excellence, King Faisal Specialist Hospital and Research Centre
Classification: Pathogenic for Eichsfeld type congenital muscular dystrophy. Last evaluated: 2024-03-17. Review status: criteria provided, single submitter. Criteria: ACMG Guidelines, 2015. Collection method: research. Allele origin: germline.

Blueprint Genetics
Classification: Pathogenic for SELENON-related disorders. Last evaluated: 2023-03-29. Review status: criteria provided, single submitter. Criteria: ACMG Guidelines, 2015. Collection method: clinical testing. Allele origin: germline. Affected: yes. Observed: 3 variant alleles.

Broad Center for Mendelian Genomics, Broad Institute of MIT and Harvard
Classification: Likely pathogenic. Last evaluated: 2023-01-24. Review status: criteria provided, single submitter. Criteria: ACMG Guidelines, 2015. Collection method: curation. Allele origin: germline. Inheritance: Autosomal recessive inheritance.
Comment: The p.Arg469Gln variant in SELENON has been reported in 6 individuals with SELENON-RM (PMID: 32154989, 19067361, 34867752, 30932294, Concentino_2016) and has been identified in 0.02% (4/17976) of East Asian chromosomes by the Genome Aggregation Database (gnomAD; dbSNP ID: rs779162837). Although this variant has been seen in the general population in a heterozygous state, its frequency is not high enough to rule out a pathogenic role. This variant has also been reported in ClinVar (Variation ID#: 461629) and has been interpreted as pathogenic by Invitae. Of the 6 affected individuals, 2 of those were homozygotes, and 1 was a compound heterozygote that carried a reported likely pathogenic variant with unknown phase, which increases the likelihood that the p.Arg469Gln variant is pathogenic (PMID: 32154989, 19067361). Computational prediction tools and conservation analyses suggest that this variant may impact the protein, though this information is not predictive enough to determine pathogenicity. In summary, the clinical significance of the p.Arg469Gln variant is uncertain. ACMG/AMP Criteria applied: PP3, PM3 (Richards 2015).

Neuberg Centre For Genomic Medicine, NCGM
Classification: Likely pathogenic for Eichsfeld type congenital muscular dystrophy. Last evaluated: 2023-01-24. Review status: criteria provided, single submitter. Criteria: ACMG Guidelines, 2015. Collection method: clinical testing. Allele origin: germline. Inheritance: Autosomal recessive inheritance. Affected: yes.
Comment: The missense c.1406G>A (p.Arg469Gln) variant in SELENON gene has been reported previously with autosomal recessive inheritance in individuals affected with SELENON-related disorders (Maiti et al. 2009; Bachmann et al. 2019; Tsang et al. 2020). The p.Arg469Gln variant is reported with an allele frequency of 0.002% in the gnomAD exomes database and is novel (not in any individuals) in 1000 Genomes database. The amino acid change p.Arg469Gln in SELENON is predicted as conserved by GERP++ and PhyloP across 100 vertebrates. This variant has been reported to the ClinVar database as Pathogenic / Likely Pathogenic. The amino acid Arg at position 469 is changed to a Gln changing protein sequence and it might alter its composition and physico-chemical properties. Missense change in this region is reported to affect the protein function (Maiti et al. 2009). Additional studies will be required to prove the pathogenicity of this variant. For these reasons, this variant has been classified as Likely Pathogenic.

Juno Genomics, Hangzhou Juno Genomics, Inc
Classification: Likely pathogenic for Eichsfeld type congenital muscular dystrophy. Review status: criteria provided, single submitter. Criteria: ACMG Guidelines, 2015. Collection method: clinical testing. Allele origin: germline.
Comment: Absent from controls (or at extremely low frequency if recessive) in Genome Aggregation Database.;Multiple lines of computational evidence support a deleterious effect on the gene or gene product.;For recessive disorders, detected in trans with a pathogenic variant.;Patient's phenotype or family history is highly specific for a disease with a single genetic etiology.

Literature cited by the submitters: PubMed 19067361 (cited by 3 submitters); PubMed 30932294 (cited by Division of Genetic & Genomic Pathology, Hong Kong Children's Hospital and Labcorp Genetics (formerly Invitae), Labcorp); PubMed 32154989 (cited by Division of Genetic & Genomic Pathology, Hong Kong Children's Hospital and Labcorp Genetics (formerly Invitae), Labcorp); PubMed 34867752 (cited by Division of Genetic & Genomic Pathology, Hong Kong Children's Hospital).

NM_206926.2(SELENON):c.1304G>A (p.Arg435Gln)

Gene: SELENON (selenoprotein N; plus strand). Cytogenetic location: 1p36.11.
Variant type: single nucleotide variant.
Coding change: c.1304G>A on transcript NM_206926.2 (MANE Select); coding-DNA position 1304, G replaced by A.
Protein change: p.Arg435Gln; replaces arginine 435 with glutamine.
Molecular consequence: missense variant.
Genome position (GRCh38, 1-based): chr1:25,813,899, G>A. VCF-style: chr1-25813899-G-A. GRCh37 (hg19) VCF-style: chr1-26140390-G-A.
Other names: NM_020451.3(SELENON):c.1406G>A; p.Arg469Gln; c.1406G>A, p.Arg469Gln (NM_020451.3); short protein forms R469Q, R435Q.
Identifiers: ClinVar variation 461629 (VCV000461629.23), dbSNP rs779162837, ClinGen allele CA19699053.